The following is an entry in ClinVar:

ClinVar aggregate classification (germline): Uncertain significance (1 of 4 stars; one submission).

Conditions:
Distal myopathy with posterior leg and anterior hand involvement. Also called: WILLIAMS DISTAL MYOPATHY. Identifiers: Orphanet 63273, MedGen C3279722, MONDO:0013550, OMIM 614065.
Myofibrillar myopathy 5. Also called: Filaminopathy (type); FILAMINOPATHY, AUTOSOMAL DOMINANT. Identifiers: Orphanet 171445, MedGen C1836050, MONDO:0012289, OMIM 609524.
Hypertrophic cardiomyopathy 26. Also called: Cardiomyopathy, familial hypertrophic, 26. Identifiers: Orphanet 75249, MedGen C4310749, MONDO:0014883, OMIM 617047.

Submission:

Labcorp Genetics (formerly Invitae), Labcorp
Classification: Uncertain significance for Distal myopathy with posterior leg and anterior hand involvement; Myofibrillar myopathy 5; Hypertrophic cardiomyopathy 26. Last evaluated: 2017-11-18. Review status: criteria provided, single submitter. Criteria: Invitae Variant Classification Sherloc (09022015). Collection method: clinical testing. Allele origin: germline.
Comment: This sequence change replaces methionine with isoleucine at codon 82 of the FLNC protein (p.Met82Ile). The methionine residue is moderately conserved and there is a small physicochemical difference between methionine and isoleucine. This variant is not present in population databases (ExAC no frequency). In summary, the available evidence is currently insufficient to determine the role of this variant in disease. Therefore, it has been classified as a Variant of Uncertain Significance. Algorithms developed to predict the effect of missense changes on protein structure and function (SIFT, PolyPhen-2, Align-GVGD) all suggest that this variant is likely to be tolerated, but these predictions have not been confirmed by published functional studies and their clinical significance is uncertain. This variant has not been reported in the literature in individuals with FLNC-related disease.

NM_001458.5(FLNC):c.246G>A (p.Met82Ile)

Gene: FLNC (filamin C; plus strand). Cytogenetic location: 7q32.1.
Variant type: single nucleotide variant.
Coding change: c.246G>A on transcript NM_001458.5 (MANE Select); coding-DNA position 246, G replaced by A.
Protein change: p.Met82Ile; replaces methionine 82 with isoleucine.
Molecular consequence: missense variant.
Genome position (GRCh38, 1-based): chr7:128,830,883, G>A. VCF-style: chr7-128830883-G-A. GRCh37 (hg19) VCF-style: chr7-128470937-G-A.
Other names: c.246G>A, p.Met82Ile (NM_001127487.2); short protein forms M82I.
Identifiers: ClinVar variation 539399 (VCV000539399.9), dbSNP rs1554396403, ClinGen allele CA369216592.